The following is an entry in ClinVar:

NM_001034853.2(RPGR):c.354G>C (p.Gln118His)

Gene: RPGR (retinitis pigmentosa GTPase regulator; minus strand). Cytogenetic location: Xp11.4.
Variant type: single nucleotide variant.
Coding change: c.354G>C on transcript NM_001034853.2 (MANE Select); coding-DNA position 354, G replaced by C.
Protein change: p.Gln118His; replaces glutamine 118 with histidine.
Molecular consequence: missense variant. On other transcripts: non-coding transcript variant (6).
Genome position (GRCh38, 1-based): chrX:38,318,944, C>G on the plus strand (G>C on the coding strand, the complement: RPGR is on the minus strand). VCF-style: chrX-38318944-C-G. GRCh37 (hg19) VCF-style: chrX-38178197-C-G.
Other names: c.354G>C, p.Gln118His (NM_000328.3, NM_001367245.1, NM_001367246.1 and 3 more transcripts); c.384G>C, p.Gln128His (NM_001367248.1); c.351G>C, p.Gln117His (NM_001367249.1); short protein forms Q128H, Q117H, Q118H.
Identifiers: ClinVar variation 1437775 (VCV001437775.6), dbSNP rs2147280538, ClinGen allele CA412745240.

ClinVar aggregate classification (germline): Uncertain significance (1 of 4 stars; one submission).

Conditions:
Primary ciliary dyskinesia. Also called: Ciliary dyskinesia. Identifiers: Orphanet 244, MedGen C0008780, MONDO:0016575, HP:0012265.

Submission:

Labcorp Genetics (formerly Invitae), Labcorp
Classification: Uncertain significance for Primary ciliary dyskinesia. Last evaluated: 2021-11-19. Review status: criteria provided, single submitter. Criteria: Invitae Variant Classification Sherloc (09022015). Collection method: clinical testing. Allele origin: germline.
Comment: In summary, the available evidence is currently insufficient to determine the role of this variant in disease. Therefore, it has been classified as a Variant of Uncertain Significance. Algorithms developed to predict the effect of missense changes on protein structure and function are either unavailable or do not agree on the potential impact of this missense change (SIFT: "Deleterious"; PolyPhen-2: "Probably Damaging"; Align-GVGD: "Class C0"). This variant has not been reported in the literature in individuals affected with RPGR-related conditions. This variant is not present in population databases (gnomAD no frequency). This sequence change replaces glutamine, which is neutral and polar, with histidine, which is basic and polar, at codon 118 of the RPGR protein (p.Gln118His).